The following is an entry in ClinVar:

ClinVar aggregate classification (germline): Pathogenic. Review status: criteria provided, multiple submitters, no conflicts (2 of 4 stars). 2 submissions from 2 submitters: Pathogenic (2). Last evaluated 2022-11-23.

Conditions:
Retinal dystrophy. Also called: Inherited retinal dystrophy. Identifiers: Orphanet 71862, MedGen C0854723, MeSH D058499, MONDO:0019118, HP:0000556.

Submissions (2):

Labcorp Genetics (formerly Invitae), Labcorp
Classification: Pathogenic. Last evaluated: 2022-11-23. Review status: criteria provided, single submitter. Criteria: Invitae Variant Classification Sherloc (09022015). Collection method: clinical testing. Allele origin: germline.
Comment: This variant disrupts the C-terminus of the RP1 protein. Many variants that disrupt this region have been reported in individuals with either autosomal dominant or autosomal recessive retinitis pigmentosa (PMID: 11527933, 19933189, 29425069, 30027431, 33681214). Therefore, variants that disrupt this region are expected to be disease-causing. For these reasons, this variant has been classified as Pathogenic. This premature translational stop signal has been observed in individual(s) with inherited retinal dystrophy (PMID: 32037395). This variant is not present in population databases (gnomAD no frequency). This sequence change creates a premature translational stop signal (p.Val1264Lysfs*2) in the RP1 gene. While this is not anticipated to result in nonsense mediated decay, it is expected to disrupt the last 893 amino acid(s) of the RP1 protein.

Institute of Human Genetics, Univ. Regensburg, Univ. Regensburg
Classification: Pathogenic for Retinal dystrophy. Last evaluated: 2021-01-01. Review status: criteria provided, single submitter. Criteria: ACMG Guidelines, 2015. Collection method: clinical testing. Allele origin: germline. Affected: yes.

Literature cited by the submitters: PubMed 11527933 (cited by Labcorp Genetics (formerly Invitae), Labcorp); PubMed 19933189 (cited by Labcorp Genetics (formerly Invitae), Labcorp); PubMed 29425069 (cited by Labcorp Genetics (formerly Invitae), Labcorp); PubMed 30027431 (cited by Labcorp Genetics (formerly Invitae), Labcorp); PubMed 33681214 (cited by Labcorp Genetics (formerly Invitae), Labcorp); PubMed 32037395 (cited by Labcorp Genetics (formerly Invitae), Labcorp and Institute of Human Genetics, Univ. Regensburg, Univ. Regensburg).

NM_006269.2(RP1):c.3790_3791del (p.Val1264fs)

Gene: RP1 (RP1 axonemal microtubule associated; plus strand). Cytogenetic location: 8q12.1.
Variant type: Deletion.
Coding change: c.3790_3791del on transcript NM_006269.2 (MANE Select); coding-DNA positions 3790 to 3791, 2 bases deleted (GT; older notation c.3790_3791delGT).
Protein change: p.Val1264fs; shifts the reading frame from valine 1264.
Molecular consequence: frameshift variant. On other transcripts: intron variant (1).
Genome position (GRCh38, 1-based): chr8:54,627,672-54,627,673, GT deleted; deleting any 2 consecutive bases within chr8:54,627,671-54,627,673 gives the same sequence; the c. name uses the placement nearest the transcript's 3' end. VCF-style (leftmost placement, unchanged base first): chr8-54627670-CTG-C. GRCh37 (hg19) VCF-style: chr8-55540230-CTG-C.
Other names: c.787+5384_787+5385del (NM_001375654.1); short protein forms V1264fs.
Identifiers: ClinVar variation 2982277 (VCV002982277.4), dbSNP rs2536581139, ClinGen allele CA2580652603.